The following is an entry in ClinVar:

NM_006306.4(SMC1A):c.1844A>G (p.Asn615Ser)

Gene: SMC1A (structural maintenance of chromosomes 1A; minus strand). Cytogenetic location: Xp11.22.
Variant type: single nucleotide variant.
Coding change: c.1844A>G on transcript NM_006306.4 (MANE Select); coding-DNA position 1844, A replaced by G.
Protein change: p.Asn615Ser; replaces asparagine 615 with serine.
Molecular consequence: missense variant.
Genome position (GRCh38, 1-based): chrX:53,405,560, T>C on the plus strand (A>G on the coding strand, the complement: SMC1A is on the minus strand). VCF-style: chrX-53405560-T-C. GRCh37 (hg19) VCF-style: chrX-53432492-T-C.
Other names: c.1778A>G, p.Asn593Ser (NM_001281463.1); short protein forms N593S, N615S.
Identifiers: ClinVar variation 1361761 (VCV001361761.10), dbSNP rs2146599772, ClinGen allele CA413252924.

ClinVar aggregate classification (germline): Uncertain significance. Review status: criteria provided, multiple submitters, no conflicts (2 of 4 stars). 3 submissions from 3 submitters: Uncertain significance (3). Last evaluated 2025-11-20.

Conditions:
Congenital muscular hypertrophy-cerebral syndrome (CDLS2). Also called: Cornelia de Lange syndrome 2; SMC1A-Related Cornelia de Lange Syndrome. Identifiers: Orphanet 199, MedGen C1802395, MONDO:0010370, OMIM 300590.
Developmental and epileptic encephalopathy, 85, with or without midline brain defects. Also called: EPILEPTIC ENCEPHALOPATHY, EARLY INFANTILE, 85, WITH OR WITHOUT MIDLINE BRAIN DEFECTS. Identifiers: MedGen C5393312, MONDO:0026771, OMIM 301044.

Submissions (3):

Dasa
Classification: Uncertain significance. Last evaluated: 2025-11-20. Review status: criteria provided, single submitter. Criteria: DASA Assertion Criteria. Collection method: clinical testing. Allele origin: germline.
Comment: NM_006306.4(SMC1A):c.1844A>G (p.Asn615Ser) is a missense variant that results in the substitution of asparagine with serine. The affected residue or protein region has prior evidence supporting clinical relevance. This variant is absent from population databases. Computational prediction algorithms are consistent with a deleterious effect. The currently available literature and clinical evidence are not sufficient to establish a definitive association between this variant and the reported condition. Therefore, this variant is classified as a variant of uncertain significance.

Laboratorio de Genetica e Diagnostico Molecular, Hospital Israelita Albert Einstein
Classification: Uncertain significance for Developmental and epileptic encephalopathy, 85, with or without midline brain defects. Last evaluated: 2022-06-01. Review status: criteria provided, single submitter. Criteria: ACMG Guidelines, 2015. Collection method: clinical testing. Allele origin: germline. Affected: yes. Observed: 1 variant allele.
Comment: ACMG classification criteria: PM2 moderated, PP2 supporting, PP3 supporting

Labcorp Genetics (formerly Invitae), Labcorp
Classification: Uncertain significance for Congenital muscular hypertrophy-cerebral syndrome. Last evaluated: 2020-11-14. Review status: criteria provided, single submitter. Criteria: Invitae Variant Classification Sherloc (09022015). Collection method: clinical testing. Allele origin: germline.
Comment: This sequence change replaces asparagine with serine at codon 615 of the SMC1A protein (p.Asn615Ser). The asparagine residue is highly conserved and there is a small physicochemical difference between asparagine and serine. This variant is not present in population databases (ExAC no frequency). This variant has not been reported in the literature in individuals with SMC1A-related conditions. Advanced modeling of protein sequence and biophysical properties (such as structural, functional, and spatial information, amino acid conservation, physicochemical variation, residue mobility, and thermodynamic stability) performed at Invitae indicates that this missense variant is expected to disrupt SMC1A protein function. Algorithms developed to predict the effect of sequence changes on RNA splicing suggest that this variant may create or strengthen a splice site, but this prediction has not been confirmed by published transcriptional studies. In summary, the available evidence is currently insufficient to determine the role of this variant in disease. Therefore, it has been classified as a Variant of Uncertain Significance.